The following is an entry in ClinVar:

ClinVar aggregate classification (germline): Benign. Review status: criteria provided, multiple submitters, no conflicts (2 of 4 stars). 2 submissions from 2 submitters: Benign (2). Last evaluated 2023-11-12.

Submissions (2):

Unidad de Genómica Garrahan, Hospital de Pediatría Garrahan
Classification: Benign. Last evaluated: 2023-11-12. Review status: criteria provided, single submitter. Criteria: ACMG Guidelines, 2015. Collection method: clinical testing. Allele origin: germline. Affected: no. Observed: 21 variant alleles.
Comment: This variant is classified as Benign based on local population frequency. This variant was detected in 22% of patients studied by a panel of primary immunodeficiencies. Number of patients: 21. Only high quality variants are reported.

GeneDx
Classification: Benign. Last evaluated: 2019-10-19. Review status: criteria provided, single submitter. Criteria: GeneDx Variant Classification Process June 2021. Collection method: clinical testing. Allele origin: germline. Affected: yes.

NM_000081.4(LYST):c.9784+46AAC[9]

Gene: LYST (lysosomal trafficking regulator; minus strand). Cytogenetic location: 1q42.3.
Variant type: Microsatellite.
Coding change: c.9784+46AAC[9] on transcript NM_000081.4 (MANE Select); nine copies in a row of the 3-base unit AAC starting at c.9784+46; the reference has eight copies in a row; one copy, 3 bases duplicated.
Molecular consequence: intron variant.
Genome position (GRCh38, 1-based): chr1:235,715,132-235,715,134, GTT duplicated on the plus strand (AAC on the coding strand, the reverse complement: LYST is on the minus strand); duplicating any 3 consecutive bases within chr1:235,715,132-235,715,155 gives the same sequence; the position shown is the placement nearest the transcript's 3' end. VCF-style (leftmost placement, unchanged base first): chr1-235715131-A-AGTT. GRCh37 (hg19) VCF-style: chr1-235878431-A-AGTT.
Other names: c.9784+46AAC[9] (NM_001301365.1).
Identifiers: ClinVar variation 1221305 (VCV001221305.5), dbSNP rs3831362, ClinGen allele CA39598820.